The following is an entry in ClinVar:

NM_000051.4(ATM):c.6388A>C (p.Asn2130His)

Genes: ATM (ATM serine/threonine kinase; plus strand), C11orf65 (chromosome 11 open reading frame 65; minus strand). Cytogenetic location: 11q22.3.
Variant type: single nucleotide variant.
Coding change: c.6388A>C on transcript NM_000051.4 (MANE Select); coding-DNA position 6388, A replaced by C.
Protein change: p.Asn2130His; replaces asparagine 2130 with histidine.
Molecular consequence: missense variant. On other transcripts: intron variant (2).
Genome position (GRCh38, 1-based): chr11:108,319,994, A>C. VCF-style: chr11-108319994-A-C. GRCh37 (hg19) VCF-style: chr11-108190721-A-C.
Other names: c.6388A>C, p.Asn2130His (NM_001351834.2); c.641-10923T>G (NM_001330368.2); c.*39-10923T>G (NM_001351110.2); short protein forms N2130H.
Identifiers: ClinVar variation 1016092 (VCV001016092.9), dbSNP rs2085081321, ClinGen allele CA382553320.

ClinVar aggregate classification (germline): Uncertain significance (1 of 4 stars; one submission).

Conditions:
Ataxia-telangiectasia syndrome (AT). Also called: Ataxia telangiectasia (A-T); ATAXIA-TELANGIECTASIA, COMPLEMENTATION GROUP A; ATAXIA-TELANGIECTASIA, FRESNO VARIANT; Ataxia-telangiectasia; Ataxia-telangiectasia, complementation group E; LOUIS-BAR SYNDROME. Identifiers: Orphanet 100, MedGen C0004135, MONDO:0008840, OMIM 208900.

Submission:

Labcorp Genetics (formerly Invitae), Labcorp
Classification: Uncertain significance for Ataxia-telangiectasia syndrome. Last evaluated: 2023-12-06. Review status: criteria provided, single submitter. Criteria: Invitae Variant Classification Sherloc (09022015). Collection method: clinical testing. Allele origin: germline.
Comment: This sequence change replaces asparagine, which is neutral and polar, with histidine, which is basic and polar, at codon 2130 of the ATM protein (p.Asn2130His). This variant is not present in population databases (gnomAD no frequency). This variant has not been reported in the literature in individuals affected with ATM-related conditions. ClinVar contains an entry for this variant (Variation ID: 1016092). An algorithm developed to predict the effect of missense changes on protein structure and function (PolyPhen-2) suggests that this variant is likely to be tolerated. In summary, the available evidence is currently insufficient to determine the role of this variant in disease. Therefore, it has been classified as a Variant of Uncertain Significance.